The following is an entry in ClinVar:

ClinVar aggregate classification (germline): Pathogenic (1 of 4 stars; one submission).

Conditions:
Hereditary cancer-predisposing syndrome. Also called: Tumor predisposition; Hereditary Cancer Syndrome; Neoplastic Syndromes, Hereditary; Hereditary neoplastic syndrome. Identifiers: Orphanet 140162, MedGen C0027672, MeSH D009386, MONDO:0015356.

Submission:

Ambry Genetics
Classification: Pathogenic for Hereditary cancer-predisposing syndrome. Last evaluated: 2018-10-31. Review status: criteria provided, single submitter. Criteria: Ambry Variant Classification Scheme 2023. Collection method: clinical testing. Allele origin: germline.
Comment: The c.2860delG pathogenic mutation, located in coding exon 10 of the BRCA2 gene, results from a deletion of one nucleotide at nucleotide position 2860, causing a translational frameshift with a predicted alternate stop codon (p.E954Rfs*6). This alteration was identified in a breast cancer patient undergoing multi-gene panel testing (Tung N et al. Cancer, 2015 Jan;121:25-33). This alteration is expected to result in loss of function by premature protein truncation or nonsense-mediated mRNA decay. As such, this alteration is interpreted as a disease-causing mutation.

Literature cited by the submitters: PubMed 25186627.

NM_000059.4(BRCA2):c.2860del (p.Glu954fs)

Gene: BRCA2 (BRCA2 DNA repair associated; plus strand). Cytogenetic location: 13q13.1.
Variant type: Deletion.
Coding change: c.2860del on transcript NM_000059.4 (MANE Select); coding-DNA position 2860, one base deleted (G; older notation c.2860delG).
Protein change: p.Glu954fs; shifts the reading frame from glutamic acid 954.
Molecular consequence: frameshift variant.
Genome position (GRCh38, 1-based): chr13:32,337,215, G deleted; the last of 2 consecutive G bases (chr13:32,337,214-32,337,215); deleting either gives the same sequence. VCF-style (leftmost placement, unchanged base first): chr13-32337213-AG-A. GRCh37 (hg19) VCF-style: chr13-32911350-AG-A.
Other names: short protein forms E954fs.
Identifiers: ClinVar variation 821915 (VCV000821915.6), dbSNP rs1593897978, ClinGen allele CA915948442.